The following is an entry in ClinVar:

NM_001267550.2(TTN):c.103895T>C (p.Val34632Ala)

Genes: TTN (titin; minus strand), TTN-AS1 (TTN antisense RNA 1; plus strand). Cytogenetic location: 2q31.2.
Variant type: single nucleotide variant.
Coding change: c.103895T>C on transcript NM_001267550.2 (MANE Select); coding-DNA position 103895, T replaced by C.
Protein change: p.Val34632Ala; replaces valine 34632 with alanine.
Molecular consequence: missense variant.
Genome position (GRCh38, 1-based): chr2:178,532,720, A>G on the plus strand (T>C on the coding strand, the complement: TTN is on the minus strand). VCF-style: chr2-178532720-A-G. GRCh37 (hg19) VCF-style: chr2-179397447-A-G.
Other names: c.98972T>C, p.Val32991Ala (NM_001256850.1); c.76700T>C, p.Val25567Ala (NM_003319.4); c.96191T>C, p.Val32064Ala (NM_133378.4); c.77075T>C, p.Val25692Ala (NM_133432.3); c.77276T>C, p.Val25759Ala (NM_133437.4); short protein forms V25567A, V25692A, V25759A, V32064A, V32991A, V34632A.
Identifiers: ClinVar variation 3749600 (VCV003749600.2).
Genomic context (GRCh38, chr2:178,532,720, plus strand): 5'-CTTCTAGGTCGGTAGTAAAAGTCATAATCAGGAGAAGGTGTACGCCGGCGGGCTGGTCTC[A>G]CTATCTCAAGATCATCTTGGGACAGTTTAGGAATACGCCATTTAGGTCTGTATTGATCTG-3'
Protein context (NP_001254479.2, residues 34622-34642): PKLSQDDLEI[Val34632Ala]RPARRRTPSP

ClinVar aggregate classification (germline): Uncertain significance (1 of 4 stars; one submission).

Conditions:
Dilated cardiomyopathy 1G (CMD1G). Identifiers: Orphanet 154, MedGen C1858763, MONDO:0011400, OMIM 604145.
Autosomal recessive limb-girdle muscular dystrophy type 2J (LGMDR10). Also called: Limb-girdle muscular dystrophy, type 2J; MUSCULAR DYSTROPHY, LIMB-GIRDLE, AUTOSOMAL RECESSIVE 10. Identifiers: Orphanet 140922, MedGen C1837342, MONDO:0012127, OMIM 608807.

gnomAD v4.1: 4 of 1,613,944 alleles (0.00025%); highest among the groups gnomAD compares: Non-Finnish European, 0.00025%; no homozygotes.

Submission:

Labcorp Genetics (formerly Invitae), Labcorp
Classification: Uncertain significance for Dilated cardiomyopathy 1G; Autosomal recessive limb-girdle muscular dystrophy type 2J. Last evaluated: 2024-02-12. Review status: criteria provided, single submitter. Criteria: Invitae Variant Classification Sherloc (09022015). Collection method: clinical testing. Allele origin: germline.
Comment: This sequence change replaces valine, which is neutral and non-polar, with alanine, which is neutral and non-polar, at codon 34632 of the TTN protein (p.Val34632Ala). This variant is not present in population databases (gnomAD no frequency). This variant has not been reported in the literature in individuals affected with TTN-related conditions. Experimental studies and prediction algorithms are not available or were not evaluated, and the functional significance of this variant is currently unknown. This variant is located in the M band of TTN (PMID: 25589632). Non-truncating variants in this region may be relevant for neuromuscular disorders, but have not been definitively shown to cause cardiomyopathy (PMID: 23975875). In summary, the available evidence is currently insufficient to determine the role of this variant in disease. Therefore, it has been classified as a Variant of Uncertain Significance.

Literature cited by the submitters: PubMed 25589632; PubMed 23975875.